The following is an entry in ClinVar:

NM_000222.3(KIT):c.65C>A (p.Thr22Lys)

Gene: KIT (KIT proto-oncogene, receptor tyrosine kinase; plus strand). Cytogenetic location: 4q12.
Variant type: single nucleotide variant.
Coding change: c.65C>A on transcript NM_000222.3 (MANE Select); coding-DNA position 65, C replaced by A.
Protein change: p.Thr22Lys; replaces threonine 22 with lysine.
Molecular consequence: missense variant.
Genome position (GRCh38, 1-based): chr4:54,658,079, C>A. VCF-style: chr4-54658079-C-A. GRCh37 (hg19) VCF-style: chr4-55524246-C-A.
Other names: c.65C>A, p.Thr22Lys (NM_001093772.2, NM_001385284.1, NM_001385285.1 and 4 more transcripts); short protein forms T22K.
Identifiers: ClinVar variation 4841368 (VCV004841368.1).

ClinVar aggregate classification (germline): Uncertain significance (1 of 4 stars; one submission).

Conditions:
Hereditary cancer-predisposing syndrome. Also called: Neoplastic Syndromes, Hereditary; Tumor predisposition; Hereditary Cancer Syndrome; Hereditary neoplastic syndrome. Identifiers: Orphanet 140162, MedGen C0027672, MeSH D009386, MONDO:0015356.

gnomAD v4.1: 1 of 1,613,846 alleles (0.000062%); highest among the groups gnomAD compares: Non-Finnish European, 0.000085%; no homozygotes.

Submission:

Ambry Genetics
Classification: Uncertain significance for Hereditary cancer-predisposing syndrome. Last evaluated: 2026-02-27. Review status: criteria provided, single submitter. Criteria: Ambry Variant Classification Scheme 2023. Collection method: clinical testing. Allele origin: germline.
Comment: The p.T22K variant (also known as c.65C>A), located in coding exon 1 of the KIT gene, results from a C to A substitution at nucleotide position 65. The threonine at codon 22 is replaced by lysine, an amino acid with similar properties. This amino acid position is highly conserved in available vertebrate species. In addition, this alteration is predicted to be tolerated by in silico analysis. Based on the available evidence, the clinical significance of this variant remains unclear.